The following is an entry in ClinVar:

NM_000168.6(GLI3):c.1217G>C (p.Ser406Thr)

Gene: GLI3 (GLI family zinc finger 3; minus strand). Cytogenetic location: 7p14.1.
Variant type: single nucleotide variant.
Coding change: c.1217G>C on transcript NM_000168.6 (MANE Select); coding-DNA position 1217, G replaced by C.
Protein change: p.Ser406Thr; replaces serine 406 with threonine.
Molecular consequence: missense variant.
Genome position (GRCh38, 1-based): chr7:42,026,224, C>G on the plus strand (G>C on the coding strand, the complement: GLI3 is on the minus strand). VCF-style: chr7-42026224-C-G. GRCh37 (hg19) VCF-style: chr7-42065823-C-G.
Other names: short protein forms S406T.
Identifiers: ClinVar variation 3763590 (VCV003763590.2).

ClinVar aggregate classification (germline): Uncertain significance (1 of 4 stars; one submission).

Conditions:
Pallister-Hall syndrome (PHS). Also called: GLI3-Related Pallister-Hall Syndrome; HYPOTHALAMIC HAMARTOBLASTOMA, HYPOPITUITARISM, IMPERFORATE ANUS, AND POSTAXIAL POLYDACTYLY. Identifiers: Orphanet 672, MedGen C0265220, MONDO:0007804, OMIM 146510.
Greig cephalopolysyndactyly syndrome (GCPS). Also called: GLI3-Related Greig Cephalopolysyndactyly Syndrome; POLYSYNDACTYLY WITH PECULIAR SKULL SHAPE; Greig syndrome. Identifiers: Orphanet 380, MedGen C0265306, MONDO:0008287, OMIM 175700.

Submission:

Labcorp Genetics (formerly Invitae), Labcorp
Classification: Uncertain significance for Pallister-Hall syndrome; Greig cephalopolysyndactyly syndrome. Last evaluated: 2024-05-24. Review status: criteria provided, single submitter. Criteria: Invitae Variant Classification Sherloc (09022015). Collection method: clinical testing. Allele origin: germline.
Comment: This sequence change replaces serine, which is neutral and polar, with threonine, which is neutral and polar, at codon 406 of the GLI3 protein (p.Ser406Thr). This variant is not present in population databases (gnomAD no frequency). This variant has not been reported in the literature in individuals affected with GLI3-related conditions. Advanced modeling of protein sequence and biophysical properties (such as structural, functional, and spatial information, amino acid conservation, physicochemical variation, residue mobility, and thermodynamic stability) performed at Invitae indicates that this missense variant is not expected to disrupt GLI3 protein function with a negative predictive value of 80%. In summary, the available evidence is currently insufficient to determine the role of this variant in disease. Therefore, it has been classified as a Variant of Uncertain Significance.